The following is an entry in ClinVar:

NM_001042492.3(NF1):c.1062G>T (p.Lys354Asn)

Gene: NF1 (neurofibromin 1; plus strand). Cytogenetic location: 17q11.2.
Variant type: single nucleotide variant.
Coding change: c.1062G>T on transcript NM_001042492.3 (MANE Select); coding-DNA position 1062, G replaced by T.
Protein change: p.Lys354Asn; replaces lysine 354 with asparagine.
Molecular consequence: missense variant.
Genome position (GRCh38, 1-based): chr17:31,200,595, G>T. VCF-style: chr17-31200595-G-T. GRCh37 (hg19) VCF-style: chr17-29527613-G-T.
Other names: c.1062G>T, p.Lys354Asn (NM_000267.4, NM_001128147.3); short protein forms K354N.
Identifiers: ClinVar variation 1511188 (VCV001511188.9), dbSNP rs1131691118, ClinGen allele CA398996570.

ClinVar aggregate classification (germline): Pathogenic/Likely pathogenic. Review status: criteria provided, multiple submitters, no conflicts (2 of 4 stars). 2 submissions from 2 submitters: Pathogenic (1); Likely pathogenic (1). Last evaluated 2025-03-11.

Conditions:
Neurofibromatosis, type 1 (NF1). Also called: Neurofibromatosis, type I; Peripheral type neurofibromatosis; VON RECKLINGHAUSEN DISEASE; NEUROFIBROMATOSIS, TYPE I, SOMATIC. Identifiers: Orphanet 636, MedGen C0027831, MONDO:0018975, OMIM 162200. Disease mechanism: loss of function.

Submissions (2):

Labcorp Genetics (formerly Invitae), Labcorp
Classification: Likely pathogenic for Neurofibromatosis, type 1. Last evaluated: 2025-03-11. Review status: criteria provided, single submitter. Criteria: Invitae Variant Classification Sherloc (09022015). Collection method: clinical testing. Allele origin: germline.
Comment: This sequence change replaces lysine, which is basic and polar, with asparagine, which is neutral and polar, at codon 354 of the NF1 protein (p.Lys354Asn). This variant also falls at the last nucleotide of exon 9, which is part of the consensus splice site for this exon. This variant is not present in population databases (gnomAD no frequency). This missense change has been observed in individual(s) with neurofibromatosis type 1 (PMID: 30290804, 31766501, 37751797). ClinVar contains an entry for this variant (Variation ID: 1511188). An algorithm developed to predict the effect of missense changes on protein structure and function (PolyPhen-2) suggests that this variant is likely to be disruptive. Variants that disrupt the consensus splice site are a relatively common cause of aberrant splicing (PMID: 17576681, 9536098). Algorithms developed to predict the effect of sequence changes on RNA splicing suggest that this variant may disrupt the consensus splice site. This variant disrupts the c.1062G nucleotide in the NF1 gene. Other variant(s) that disrupt this nucleotide have been determined to be pathogenic (PMID: 29673180). This suggests that this nucleotide is clinically significant, and that variants that disrupt this position are likely to be disease-causing. In summary, the currently available evidence indicates that the variant is pathogenic, but additional data are needed to prove that conclusively. Therefore, this variant has been classified as Likely Pathogenic.

Medical Genetics, University of Parma
Classification: Pathogenic for Neurofibromatosis, type 1. Last evaluated: 2022-08-17. Review status: criteria provided, single submitter. Criteria: ACMG Guidelines, 2015. Collection method: clinical testing. Allele origin: germline. Inheritance: Autosomal dominant inheritance. Affected: yes.

Literature cited by the submitters: PubMed 30290804 (cited by Labcorp Genetics (formerly Invitae), Labcorp); PubMed 31766501 (cited by Labcorp Genetics (formerly Invitae), Labcorp); PubMed 37751797 (cited by Labcorp Genetics (formerly Invitae), Labcorp); PubMed 17576681 (cited by Labcorp Genetics (formerly Invitae), Labcorp); PubMed 9536098 (cited by Labcorp Genetics (formerly Invitae), Labcorp); PubMed 29673180 (cited by Labcorp Genetics (formerly Invitae), Labcorp).